The following is an entry in ClinVar:

NM_001276345.2(TNNT2):c.310C>G (p.Arg104Gly)

Gene: TNNT2 (troponin T2, cardiac type; minus strand). Cytogenetic location: 1q32.1.
Variant type: single nucleotide variant.
Coding change: c.310C>G on transcript NM_001276345.2 (MANE Select); coding-DNA position 310, C replaced by G.
Protein change: p.Arg104Gly; replaces arginine 104 with glycine.
Molecular consequence: missense variant. On other transcripts: intron variant (1).
Genome position (GRCh38, 1-based): chr1:201,365,292, G>C on the plus strand (C>G on the coding strand, the complement: TNNT2 is on the minus strand). VCF-style: chr1-201365292-G-C. GRCh37 (hg19) VCF-style: chr1-201334420-G-C.
Other names: c.310C>G, p.Arg104Gly (NM_000364.4, NM_001406723.1); c.280C>G, p.Arg94Gly (NM_001001430.3, NM_001001431.3, NM_001276347.2 and 3 more transcripts); c.265C>G, p.Arg89Gly (NM_001001432.3, NM_001406728.1); c.277C>G, p.Arg93Gly (NM_001406725.1); c.291+318C>G (NM_001276346.2); short protein forms R104G, R89G, R93G, R94G.
Identifiers: ClinVar variation 3753582 (VCV003753582.2).

ClinVar aggregate classification (germline): Likely pathogenic (1 of 4 stars; one submission).

Conditions:
Dilated cardiomyopathy 1D. Identifiers: Orphanet 154, Orphanet 54260, MedGen C1832243, MONDO:0011095, OMIM 601494.
Hypertrophic cardiomyopathy 2. Also called: TNNT2-Related Familial Hypertrophic Cardiomyopathy. Identifiers: MedGen C1861864, MONDO:0007266, OMIM 115195.
Cardiomyopathy, familial restrictive, 3. Identifiers: Orphanet 75249, MedGen C2676271, MONDO:0012900, OMIM 612422.

Submission:

Labcorp Genetics (formerly Invitae), Labcorp
Classification: Likely pathogenic for Cardiomyopathy, familial restrictive, 3; Hypertrophic cardiomyopathy 2; Dilated cardiomyopathy 1D. Last evaluated: 2024-08-23. Review status: criteria provided, single submitter. Criteria: Invitae Variant Classification Sherloc (09022015). Collection method: clinical testing. Allele origin: germline.
Comment: This sequence change replaces arginine, which is basic and polar, with glycine, which is neutral and non-polar, at codon 94 of the TNNT2 protein (p.Arg94Gly). This variant is not present in population databases (gnomAD no frequency). This variant has not been reported in the literature in individuals affected with TNNT2-related conditions. Invitae Evidence Modeling of protein sequence and biophysical properties (such as structural, functional, and spatial information, amino acid conservation, physicochemical variation, residue mobility, and thermodynamic stability) indicates that this missense variant is expected to disrupt TNNT2 protein function with a positive predictive value of 95%. This variant disrupts the p.Arg94 amino acid residue in TNNT2. Other variant(s) that disrupt this residue have been determined to be pathogenic (PMID: 10525521, 10978365, 11606294; internal data). This suggests that this residue is clinically significant, and that variants that disrupt this residue are likely to be disease-causing. In summary, the currently available evidence indicates that the variant is pathogenic, but additional data are needed to prove that conclusively. Therefore, this variant has been classified as Likely Pathogenic.

Literature cited by the submitters: PubMed 10525521; PubMed 10978365; PubMed 11606294.